The following is an entry in ClinVar:

NM_001278716.2(FBXL4):c.1564A>G (p.Thr522Ala)

Gene: FBXL4 (F-box and leucine rich repeat protein 4; minus strand). Cytogenetic location: 6q16.1.
Variant type: single nucleotide variant.
Coding change: c.1564A>G on transcript NM_001278716.2 (MANE Select); coding-DNA position 1564, A replaced by G.
Protein change: p.Thr522Ala; replaces threonine 522 with alanine.
Molecular consequence: missense variant. On other transcripts: non-coding transcript variant (1).
Genome position (GRCh38, 1-based): chr6:98,875,553, T>C on the plus strand (A>G on the coding strand, the complement: FBXL4 is on the minus strand). VCF-style: chr6-98875553-T-C. GRCh37 (hg19) VCF-style: chr6-99323429-T-C.
Other names: c.1564A>G, p.Thr522Ala (NM_012160.5); short protein forms T522A.
Identifiers: ClinVar variation 437771 (VCV000437771.3), dbSNP rs775291550, ClinGen allele CA3933423.

ClinVar aggregate classification (germline): Uncertain significance. Review status: criteria provided, multiple submitters, no conflicts (2 of 4 stars). 2 submissions from 2 submitters: Uncertain significance (2). Last evaluated 2023-11-10.

Conditions:
Mitochondrial DNA depletion syndrome 13. Also called: FBXL4-Related Encephalomyopathic Mitochondrial DNA Depletion Syndrome; Mitochondrial DNA depletion syndrome 13 (encephalomyopathic type). Identifiers: Orphanet 369897, MedGen C3809592, MONDO:0014198, OMIM 615471.

Allele frequency attached by ClinVar (database versions not stated): gnomAD 0.00001 and 0.00002; gnomAD exomes 0.00001 and 0.00002; TOPMed 0.00002; ExAC 0.00004.
gnomAD v4.1: 23 of 1,613,972 alleles (0.0014%); highest among the groups gnomAD compares: Non-Finnish European, 0.0018%; no homozygotes.

Submissions (2):

Labcorp Genetics (formerly Invitae), Labcorp
Classification: Uncertain significance. Last evaluated: 2023-11-10. Review status: criteria provided, single submitter. Criteria: Invitae Variant Classification Sherloc (09022015). Collection method: clinical testing. Allele origin: germline.
Comment: This sequence change replaces threonine, which is neutral and polar, with alanine, which is neutral and non-polar, at codon 522 of the FBXL4 protein (p.Thr522Ala). This variant is present in population databases (rs775291550, gnomAD 0.004%). This variant has not been reported in the literature in individuals affected with FBXL4-related conditions. ClinVar contains an entry for this variant (Variation ID: 437771). Advanced modeling of protein sequence and biophysical properties (such as structural, functional, and spatial information, amino acid conservation, physicochemical variation, residue mobility, and thermodynamic stability) performed at Invitae indicates that this missense variant is not expected to disrupt FBXL4 protein function with a negative predictive value of 80%. In summary, the available evidence is currently insufficient to determine the role of this variant in disease. Therefore, it has been classified as a Variant of Uncertain Significance.

Wong Mito Lab, Molecular and Human Genetics, Baylor College of Medicine
Classification: Uncertain significance for Mitochondrial DNA depletion syndrome 13. Last evaluated: 2017-08-10. Review status: criteria provided, single submitter. Criteria: ACMG Guidelines, 2015. Collection method: reference population. Allele origin: germline.
Comment: The NM_012160.4:c.1564A>G (NP_036292.2:p.Thr522Ala) [GRCH38: NC_000006.12:g.98875553T>C] variant in FBXL4 gene is interpretated to be a Uncertain Significance - Conflicting Evidence based on ACMG guidelines (PMID: 25741868). This variant meets one or more of the following evidence codes reported in the ACMG-guideline. PM2:This variant is absent in key population databases. BP4:Computational evidence/predictors indicate no impact on the FBXL4 structure, function, or protein-protein interaction. Based on this evidence code ClinGen Pathogenicity Calculator (PMID:28081714) suggested that the variant is Uncertain Significance - Conflicting Evidence.